The following is an entry in ClinVar:

ClinVar aggregate classification (germline): Uncertain significance (1 of 4 stars; one submission).

Allele frequency attached by ClinVar (database versions not stated): TOPMed below 0.00001.

Submission:

Labcorp Genetics (formerly Invitae), Labcorp
Classification: Uncertain significance. Last evaluated: 2022-09-01. Review status: criteria provided, single submitter. Criteria: Invitae Variant Classification Sherloc (09022015). Collection method: clinical testing. Allele origin: germline.
Comment: In summary, the available evidence is currently insufficient to determine the role of this variant in disease. Therefore, it has been classified as a Variant of Uncertain Significance. Algorithms developed to predict the effect of missense changes on protein structure and function output the following: SIFT: "Tolerated"; PolyPhen-2: "Benign"; Align-GVGD: "Class C0". The threonine amino acid residue is found in multiple mammalian species, which suggests that this missense change does not adversely affect protein function. This sequence change replaces arginine, which is basic and polar, with threonine, which is neutral and polar, at codon 827 of the LRRCC1 protein (p.Arg827Thr). This variant is not present in population databases (gnomAD no frequency). This variant has not been reported in the literature in individuals affected with LRRCC1-related conditions.

NM_033402.5(LRRCC1):c.2480G>C (p.Arg827Thr)

Gene: LRRCC1 (leucine rich repeat and coiled-coil centrosomal protein 1; plus strand). Cytogenetic location: 8q21.2.
Variant type: single nucleotide variant.
Coding change: c.2480G>C on transcript NM_033402.5 (MANE Select); coding-DNA position 2480, G replaced by C.
Protein change: p.Arg827Thr; replaces arginine 827 with threonine.
Molecular consequence: missense variant.
Genome position (GRCh38, 1-based): chr8:85,137,614, G>C. VCF-style: chr8-85137614-G-C. GRCh37 (hg19) VCF-style: chr8-86049849-G-C.
Other names: c.2201G>C, p.Arg734Thr (NM_001349636.2); c.2054G>C, p.Arg685Thr (NM_001349637.2); c.1583G>C, p.Arg528Thr (NM_001349638.2); c.1343G>C, p.Arg448Thr (NM_001349639.2); short protein forms R448T, R528T, R827T, R685T, R734T.
Identifiers: ClinVar variation 2114234 (VCV002114234.4), dbSNP rs1482989472, ClinGen allele CA371429361.
Genomic context (GRCh38, chr8:85,137,614, plus strand): 5'-GTGATAGTGATGCATTAAGAATAAAGTGCAAAATCATAGACGACCAAACTGAAACTATTA[G>C]AAAATTAAAAGATGTAAGTTTGACATTTTATTTTGGTTAAAGAGCAAATGGCAGGTTTGC-3'
Protein context (NP_208325.3, residues 817-837): KIIDDQTETI[Arg827Thr]KLKDCLQEKD